The following is an entry in ClinVar:

NM_172250.3(MMAA):c.747G>A (p.Ser249=)

Gene: MMAA (metabolism of cobalamin associated A; plus strand). Cytogenetic location: 4q31.21.
Variant type: single nucleotide variant.
Coding change: c.747G>A on transcript NM_172250.3 (MANE Select); coding-DNA position 747, G replaced by A.
Protein change: p.Ser249=; no amino-acid change (serine 249 retained).
Molecular consequence: synonymous variant.
Genome position (GRCh38, 1-based): chr4:145,651,075, G>A. VCF-style: chr4-145651075-G-A. GRCh37 (hg19) VCF-style: chr4-146572227-G-A.
Other names: p.S249S:TCG>TCA; p.Ser249=.
Identifiers: ClinVar variation 138237 (VCV000138237.34), dbSNP rs11721553, ClinGen allele CA292115.

ClinVar aggregate classification (germline): Benign. Review status: criteria provided, multiple submitters, no conflicts (2 of 4 stars). 12 submissions from 12 submitters: Benign (8). 4 of the submissions do not count toward it. Last evaluated 2026-02-04.

Conditions:
Methylmalonic aciduria, cblA type (MACA). Also called: Methylmalonic aciduria, vitamin B12-responsive; Vitamin B12-responsive methylmalonic acidemia type cblA; Methylmalonic aciduria, vitamin b12-responsive, due to defect in synthesis of adenosylcobalamin, cbla complementation type; MMA cbl A type; Methylmalonic acidemia cblA type. Identifiers: Orphanet 28, Orphanet 79310, MedGen C1855109, MONDO:0009613, OMIM 251100.

Allele frequency attached by ClinVar (database versions not stated): 1000 Genomes Project 0.04912; 1000 Genomes Project 30x 0.05091; gnomAD exomes 0.07065 and 0.09074; ExAC 0.07260; gnomAD 0.07604 and 0.07844; TOPMed 0.08036; ESP Exome Variant Server 0.08950.
gnomAD v4.1: 144,191 of 1,613,392 alleles (8.9%); highest among the groups gnomAD compares: Non-Finnish European, 10%; 7,243 homozygotes.

Submissions (12):

Labcorp Genetics (formerly Invitae), Labcorp
Classification: Benign for Methylmalonic aciduria, cblA type. Last evaluated: 2026-02-04. Review status: criteria provided, single submitter. Criteria: Invitae Variant Classification Sherloc (09022015). Collection method: clinical testing. Allele origin: germline.

ARUP Laboratories, Molecular Genetics and Genomics, ARUP Laboratories
Classification: Benign for Methylmalonic aciduria, cblA type. Last evaluated: 2025-07-10. Review status: criteria provided, single submitter. Criteria: ARUP Molecular Germline Variant Investigation Process 2024. Collection method: clinical testing. Allele origin: germline.

Mayo Clinic Laboratories, Mayo Clinic
Classification: Benign. Last evaluated: 2022-03-31. Review status: criteria provided, single submitter. Criteria: ACMG Guidelines, 2015. Collection method: clinical testing. Allele origin: germline. Observed: 17 variant alleles.

Pars Genome Lab
Classification: Benign for Methylmalonic aciduria, cblA type. Last evaluated: 2021-06-15. Review status: criteria provided, single submitter. Criteria: ACMG Guidelines, 2015. Collection method: clinical testing. Allele origin: germline. Affected: no.

Illumina Laboratory Services, Illumina
Classification: Benign for Methylmalonic aciduria, cblA type. Last evaluated: 2018-01-13. Review status: criteria provided, single submitter. Criteria: ICSL Variant Classification Criteria 13 December 2019. Collection method: clinical testing. Allele origin: germline.
Comment: This variant was observed in the ICSL laboratory as part of a predisposition screen in an ostensibly healthy population. It had not been previously curated by ICSL or reported in the Human Gene Mutation Database (HGMD: prior to June 1st, 2018), and was therefore a candidate for classification through an automated scoring system. Utilizing variant allele frequency, disease prevalence and penetrance estimates, and inheritance mode, an automated score was calculated to assess if this variant is too frequent to cause the disease. Based on the score and internal cut-off values, a variant classified as benign is not then subjected to further curation. The score for this variant resulted in a classification of benign for this disease.

GeneDx
Classification: Benign. Last evaluated: 2013-10-03. Review status: criteria provided, single submitter. Criteria: GeneDx Variant Classification (06012015). Collection method: clinical testing. Allele origin: germline. Affected: yes.
Comment: This variant is considered likely benign or benign based on one or more of the following criteria: it is a conservative change, it occurs at a poorly conserved position in the protein, it is predicted to be benign by multiple in silico algorithms, and/or has population frequency not consistent with disease.

Breakthrough Genomics
Classification: Benign. Review status: criteria provided, single submitter. Criteria: ACMG Guidelines, 2015. Collection method: not provided. Allele origin: germline. Inheritance: Autosomal recessive inheritance. Affected: yes.

PreventionGenetics, part of Exact Sciences
Classification: Benign. Review status: criteria provided, single submitter. Criteria: ACMG Guidelines, 2015. Collection method: clinical testing. Allele origin: germline.

Natera, Inc.
Classification: Benign for Methylmalonic aciduria cblA type. Last evaluated: 2020-09-16. Review status: no assertion criteria provided. Collection method: clinical testing. Allele origin: germline. Not counted in ClinVar's aggregate classification.

Clinical Genetics, Academic Medical Center
Classification: Benign. Review status: no assertion criteria provided. Collection method: clinical testing. Allele origin: germline. Affected: yes. Study: VKGL Data-share Consensus. Not counted in ClinVar's aggregate classification.

Diagnostic Laboratory, Department of Genetics, University Medical Center Groningen
Classification: Benign for Methylmalonic aciduria, cblA type. Review status: no assertion criteria provided. Collection method: clinical testing. Allele origin: germline. Affected: yes. Study: VKGL Data-share Consensus. Not counted in ClinVar's aggregate classification.

Joint Genome Diagnostic Labs from Nijmegen and Maastricht, Radboudumc and MUMC+
Classification: Benign. Review status: no assertion criteria provided. Collection method: clinical testing. Allele origin: germline. Affected: yes. Study: VKGL Data-share Consensus. Not counted in ClinVar's aggregate classification.